The following is an entry in ClinVar:

NM_001378373.1(MBL2):c.*2450A>T

Gene: MBL2 (mannose binding lectin 2; minus strand). Cytogenetic location: 10q21.1.
Variant type: single nucleotide variant.
Coding change: c.*2450A>T on transcript NM_001378373.1 (MANE Select); 2450 bases downstream of the stop codon, A replaced by T.
Molecular consequence: 3 prime UTR variant.
Genome position (GRCh38, 1-based): chr10:52,765,687, T>A on the plus strand (A>T on the coding strand, the complement: MBL2 is on the minus strand). VCF-style: chr10-52765687-T-A. GRCh37 (hg19) VCF-style: chr10-54525447-T-A.
Other names: c.*2450A>T (NM_000242.3, NM_001378374.1).
Identifiers: ClinVar variation 300108 (VCV000300108.30), dbSNP rs56325023, ClinGen allele CA10628673.

ClinVar aggregate classification (germline): Conflicting classifications of pathogenicity. Review status: criteria provided, conflicting classifications (1 of 4 stars). 3 submissions from 3 submitters: Uncertain significance (2); Benign (1). Last evaluated 2023-02-01.

Conditions:
Mannose-binding lectin deficiency. Also called: MBP DEFICIENCY; MBL DEFICIENCY; MBL2 DEFICIENCY; LECTIN COMPLEMENT ACTIVATION PATHWAY, DEFECT IN, 1; Chronic infections, due to MBL deficiency. Identifiers: MedGen C3280586, MONDO:0013714, OMIM 614372.

Allele frequency attached by ClinVar (database versions not stated): 1000 Genomes Project 0.00260; 1000 Genomes Project 30x 0.00281; gnomAD 0.00387 and 0.00421; TOPMed 0.00435.

Submissions (3):

CeGaT Center for Human Genetics Tuebingen
Classification: Benign. Last evaluated: 2023-02-01. Review status: criteria provided, single submitter. Criteria: CeGaT Center For Human Genetics Tuebingen Variant Classification Criteria Version 2. Collection method: clinical testing. Allele origin: germline. Affected: yes. Observed: 3 variant alleles.
Comment: MBL2: BS1, BS2

Illumina Laboratory Services, Illumina
Classification: Uncertain significance for Mannose-binding lectin deficiency. Last evaluated: 2018-01-12. Review status: criteria provided, single submitter. Criteria: ICSL Variant Classification Criteria 13 December 2019. Collection method: clinical testing. Allele origin: germline.

Breakthrough Genomics
Classification: Uncertain significance. Review status: criteria provided, single submitter. Criteria: ACMG Guidelines, 2015. Collection method: not provided. Allele origin: germline. Inheritance: Autosomal dominant inheritance. Affected: yes.